The following is an entry in ClinVar:

ClinVar aggregate classification (germline): Pathogenic. Review status: criteria provided, multiple submitters, no conflicts (2 of 4 stars). 2 submissions from 2 submitters: Pathogenic (2). Last evaluated 2026-09-08.

Conditions:
Fabry disease. Also called: ALPHA-GALACTOSIDASE A DEFICIENCY; CERAMIDE TRIHEXOSIDASE DEFICIENCY; GLA DEFICIENCY; HEREDITARY DYSTOPIC LIPIDOSIS; Angiokeratoma corporis diffusum; Fabry's disease. Identifiers: Orphanet 324, MedGen C0002986, MONDO:0010526, OMIM 301500, HP:0001071. Disease mechanism: loss of function, Fabry disease is due to inactivating mutations in the X-linked GLA gene resulting in deficiency of the enzyme Alpha Galactosidase-A..

Submissions (2):

Genomenon, Inc
Classification: Pathogenic for Fabry disease. Last evaluated: 2026-09-08. Review status: criteria provided, single submitter. Criteria: Genomenon Sequence Variant Interpretation Standards - Updated. Collection method: curation. Allele origin: germline. Affected: yes.
Comment: GLA p.His46Tyr (c.136C>T) is a missense variant that changes the amino acid at codon 46 from Histidine to Tyrosine. This variant has been observed in at least one proband with clinical features consistent with Fabry disease (PMID:11668641;20022777;15702403;32641113;36087505;12175777;40692291). At least one functional study has demonstrated a substantial alteration in protein function relative to the wild-type (PMID:21598360;22773828;27657681). This variant is located in a mutational hotspot and/or important functional domain. It is absent or not present at a significant frequency in gnomAD. In silico models predict that this variant is possibly or probably damaging. In conclusion, we classify GLA p.His46Tyr (c.136C>T) as a pathogenic variant.

Women's Health and Genetics/Laboratory Corporation of America, LabCorp
Classification: Pathogenic for Fabry disease. Last evaluated: 2020-12-03. Review status: criteria provided, single submitter. Criteria: LabCorp Variant Classification Summary - May 2015. Collection method: clinical testing. Allele origin: germline.
Comment: Variant summary: GLA c.136C>T (p.His46Tyr) results in a conservative amino acid change in the encoded protein sequence. Four of five in-silico tools predict a damaging effect of the variant on protein function. The variant was absent in 183425 control chromosomes. c.136C>T has been reported in the literature in multiple individuals affected with Fabry Disease (example, Blaydon_2001, Whitfield_2005, Benjamin_2009, Shabbeer_2002, Wu_2011, Nowak_2019). These data indicate that the variant is very likely to be associated with disease. Several publications report experimental evidence evaluating an impact on protein function. The most pronounced variant effect results in <10% of normal activity (example, Whitfield_2005) and no response to the pharmacological chaperone 1-deoxygalactonojirimycin (DGJ) (example, Benjamin_2009). No clinical diagnostic laboratories have submitted clinical-significance assessments for this variant to ClinVar after 2014. Based on the evidence outlined above, the variant was classified as pathogenic.

Literature cited by the submitters: PubMed 11668641 (cited by Genomenon, Inc and Women's Health and Genetics/Laboratory Corporation of America, LabCorp); PubMed 20022777 (cited by Genomenon, Inc); PubMed 15702403 (cited by Genomenon, Inc and Women's Health and Genetics/Laboratory Corporation of America, LabCorp); PubMed 32641113 (cited by Genomenon, Inc); PubMed 36087505 (cited by Genomenon, Inc); PubMed 12175777 (cited by Genomenon, Inc and Women's Health and Genetics/Laboratory Corporation of America, LabCorp); PubMed 40692291 (cited by Genomenon, Inc); PubMed 21598360 (cited by Genomenon, Inc and Women's Health and Genetics/Laboratory Corporation of America, LabCorp); PubMed 22773828 (cited by Genomenon, Inc); PubMed 27657681 (cited by Genomenon, Inc); PubMed 19387866 (cited by Women's Health and Genetics/Laboratory Corporation of America, LabCorp); PubMed 31449323 (cited by Women's Health and Genetics/Laboratory Corporation of America, LabCorp).

NM_000169.3(GLA):c.136C>T (p.His46Tyr)

Genes: GLA (galactosidase alpha; minus strand), RPL36A-HNRNPH2 (RPL36A-HNRNPH2 readthrough; plus strand). Cytogenetic location: Xq22.1.
Variant type: single nucleotide variant.
Coding change: c.136C>T on transcript NM_000169.3 (MANE Select); coding-DNA position 136, C replaced by T.
Protein change: p.His46Tyr; replaces histidine 46 with tyrosine.
Molecular consequence: missense variant. On other transcripts: non-coding transcript variant (3), intron variant (2).
Genome position (GRCh38, 1-based): chrX:101,407,768, G>A on the plus strand (C>T on the coding strand, the complement: GLA is on the minus strand). VCF-style: chrX-101407768-G-A. GRCh37 (hg19) VCF-style: chrX-100662756-G-A.
Other names: c.136C>T, p.His46Tyr (NM_001406747.1, NM_001406748.1, NM_001406749.1); c.301-4168G>A (NM_001199973.2); c.178-4168G>A (NM_001199974.2); short protein forms H46Y.
Identifiers: ClinVar variation 992237 (VCV000992237.3), dbSNP rs1928582757, ClinGen allele CA413937089.